The following is an entry in ClinVar:

ClinVar aggregate classification (germline): Pathogenic. Review status: criteria provided, multiple submitters, no conflicts (2 of 4 stars). 9 submissions from 9 submitters: Pathogenic (8). 1 of the submissions does not count toward it. Last evaluated 2025-12-31.

Conditions:
DSP-related disorder. Also called: DSP-related condition; DSP-related disorders.
Cardiovascular phenotype. Identifiers: MedGen CN230736.
Arrhythmogenic right ventricular cardiomyopathy (ARVD). Also called: Cardiomyopathy, ARVC; Arrhythmogenic Right Ventricular Cardiomyopathy (ARVC); Arrhythmogenic right ventricular dysplasia; Arrhythmogenic cardiomyopathy. Identifiers: Orphanet 247, MedGen C0349788, MeSH D019571, MONDO:0016587. Disease mechanism: loss of function. Inheritance: Various modes of inheritance.
Cardiomyopathy (CMYO). Also called: Cardiomyopathies. Identifiers: Orphanet 167848, MedGen C0878544, MONDO:0004994, HP:0001638. Inheritance: Various modes of inheritance.
Arrhythmogenic cardiomyopathy with wooly hair and keratoderma. Also called: PALMOPLANTAR KERATODERMA WITH LEFT VENTRICULAR CARDIOMYOPATHY AND WOOLLY HAIR; Arrhythmogenic cardiomyopathy with woolly hair and keratoderma; Dilated cardiomyopathy with woolly hair and keratoderma; Carvajal syndrome. Identifiers: Orphanet 65282, MedGen C1854063, MONDO:0011581, OMIM 605676.
Arrhythmogenic right ventricular dysplasia 8 (ARVD8). Also called: Arrhythmogenic Right Ventricular Dysplasia/Cardiomyopathy 8; ARRHYTHMOGENIC RIGHT VENTRICULAR DYSPLASIA, FAMILIAL, 8; ARRHYTHMOGENIC RIGHT VENTRICULAR CARDIOMYOPATHY 8. Identifiers: MedGen C1843896, MONDO:0011831, OMIM 607450.

Allele frequency attached by ClinVar (database versions not stated): gnomAD 0.00001; gnomAD exomes 0.00001 and 0.00002; TOPMed 0.00001; ExAC 0.00003.
gnomAD v4.1: 9 of 1,613,826 alleles (0.00056%); highest among the groups gnomAD compares: Non-Finnish European, 0.000085%; no homozygotes.

Submissions (9):

Labcorp Genetics (formerly Invitae), Labcorp
Classification: Pathogenic for Arrhythmogenic cardiomyopathy with wooly hair and keratoderma; Arrhythmogenic right ventricular dysplasia 8. Last evaluated: 2025-12-31. Review status: criteria provided, single submitter. Criteria: Invitae Variant Classification Sherloc (09022015). Collection method: clinical testing. Allele origin: germline.
Comment: This sequence change creates a premature translational stop signal (p.Gln1511*) in the DSP gene. It is expected to result in an absent or disrupted protein product. Loss-of-function variants in DSP are known to be pathogenic (PMID: 20716751, 24503780, 25227139, 30398466). This variant is present in population databases (rs397516940, gnomAD 0.05%). This premature translational stop signal has been observed in individual(s) with arrhythmogenic right ventricular cardiomyopathy (PMID: 31386562). ClinVar contains an entry for this variant (Variation ID: 44914). For these reasons, this variant has been classified as Pathogenic.

Color Diagnostics, LLC DBA Color Health
Classification: Pathogenic for Cardiomyopathy. Last evaluated: 2024-09-23. Review status: criteria provided, single submitter. Criteria: ACMG Guidelines, 2015. Collection method: clinical testing. Allele origin: germline.
Comment: This variant changes 1 nucleotide in exon 23 of the DSP gene, creating a premature translation stop signal. This variant is expected to result in an absent or non-functional protein product. This variant has been reported in two unrelated individuals affected with arrhythmogenic right ventricular cardiomyopathy (PMID: 26569459, 31386562), in one individual affected with dilated cardiomyopathy (PMID: 31317183), and in one individual suspected of having hereditary cardiomyopathy (PMID: 35083019). This variant has been identified in 5/249842 chromosomes in the general population by the Genome Aggregation Database (gnomAD). Loss of DSP function is a known mechanism of disease. Based on the available evidence, this variant is classified as Pathogenic.

All of Us Research Program, National Institutes of Health
Classification: Pathogenic for Arrhythmogenic cardiomyopathy with wooly hair and keratoderma. Last evaluated: 2024-07-23. Review status: criteria provided, single submitter. Criteria: ACMG Guidelines, 2015. Collection method: clinical testing. Allele origin: germline. Inheritance: Autosomal dominant inheritance. Observed: 3 variant alleles, 3 heterozygotes.
Comment: This variant changes 1 nucleotide in exon 23 of the DSP gene, creating a premature translation stop signal. This variant is expected to result in an absent or non-functional protein product. This variant has been reported in two unrelated individuals affected with arrhythmogenic right ventricular cardiomyopathy (PMID: 26569459, 31386562), in one individual affected with dilated cardiomyopathy (PMID: 31317183), and in one individual suspected of having hereditary cardiomyopathies (PMID: 35083019). This variant has been identified in 5/249842 chromosomes in the general population by the Genome Aggregation Database (gnomAD). Loss of DSP function is a known mechanism of disease. Based on the available evidence, this variant is classified as Pathogenic.

This study involves interpretation of variants in research participants for the purpose of population health screening. Participant phenotype was not available at the time of variant classification. Additional details can be found in publication PMID: 35346344, PMCID: PMC8962531

Molecular Diagnostic Laboratory for Inherited Cardiovascular Disease, Montreal Heart Institute
Classification: Pathogenic for Cardiovascular phenotype. Last evaluated: 2024-04-19. Review status: criteria provided, single submitter. Criteria: ACMG Guidelines, 2015. Collection method: clinical testing. Allele origin: germline. Affected: yes.
Comment: PVS1, PS4_mod, PM2, PP1, PP5

Blueprint Genetics
Classification: Pathogenic for DSP-related disorders. Last evaluated: 2023-07-25. Review status: criteria provided, single submitter. Criteria: ACMG Guidelines, 2015. Collection method: clinical testing. Allele origin: germline. Affected: yes. Observed: 2 variant alleles.

GeneDx
Classification: Pathogenic. Last evaluated: 2022-12-28. Review status: criteria provided, single submitter. Criteria: GeneDx Variant Classification Process June 2021. Collection method: clinical testing. Allele origin: germline. Affected: yes.
Comment: Nonsense variant predicted to result in protein truncation or nonsense mediated decay in a gene for which loss-of-function is a known mechanism of disease; Not observed at significant frequency in large population cohorts (gnomAD); This variant is associated with the following publications: (PMID: 31317183, 31402444, 32372669, 31386562, 26569459, 33460606, 34352074)

Ambry Genetics
Classification: Pathogenic for Cardiovascular phenotype. Last evaluated: 2022-08-30. Review status: criteria provided, single submitter. Criteria: Ambry Variant Classification Scheme 2023. Collection method: clinical testing. Allele origin: germline.
Comment: The p.Q1511* pathogenic mutation (also known as c.4531C>T), located in coding exon 23 of the DSP gene, results from a C to T substitution at nucleotide position 4531. This changes the amino acid from a glutamine to a stop codon within coding exon 23. This alteration has been associated in the literature with cardiovascular disease (Akdis D et al. Heart Rhythm, 2016 Mar;13:731-41; van Lint FHM et al. Circ Genom Precis Med, 2019 08;12:e002467; Augusto JB et al. Eur Heart J Cardiovasc Imaging, 2020 03;21:326-336; Reza N et al. Cardiogenetics, 2022 Mar;12:24-36). This variant is considered to be rare based on population cohorts in the Genome Aggregation Database (gnomAD). Alterations in DSP that result in haploinsufficiency or protein truncation have been reported in patients with arrhythmogenic right ventricular cardiomyopathy (ARVC) and dilated cardiomyopathy (DCM) (Fressart V et al. Europace. 2010;12(6):861-8; Elliott P et al. Circ Cardiovasc Genet. 2010;3(4):314-22; Quarta G et al. Circulation. 2011;123(23):2701-9; Garcia-Pavia P et al. Heart. 2011;97(21):1744-52; Rasmussen TB et al. Clin Genet. 2013;84(1):20-30; Pugh TJ et al. Genet Med. 2014;16(8):601-8). This alteration is expected to result in loss of function by premature protein truncation or nonsense-mediated mRNA decay. Based on the supporting evidence, this alteration is interpreted as a disease-causing mutation.

Hadassah Hebrew University Medical Center
Classification: Pathogenic for Arrhythmogenic right ventricular dysplasia 8. Review status: criteria provided, single submitter. Criteria: ACMG Guidelines, 2015. Collection method: research. Allele origin: germline. Affected: no. Observed: 1 variant allele.

Laboratory for Molecular Medicine, Mass General Brigham Personalized Medicine
Classification: Likely pathogenic for Arrhythmogenic right ventricular cardiomyopathy. Last evaluated: 2015-04-23. Review status: no assertion criteria provided. Collection method: clinical testing. Allele origin: germline. Inheritance: Autosomal dominant inheritance. Observed: 2 variant alleles. Not counted in ClinVar's aggregate classification.
Comment: It has also been identified in 4/65986 European chromosomes by the Exome Ag gregation Consortium (ExAC; dbSNP rs397516940). This nonsense variant leads to a premature termination codon at position 1511, w hich is predicted to lead to a truncated or absent protein. Frameshift and nonse nse variants in DSP have been well reported in patients with ARVC, but recent evidence supports that they can also cause DCM (Pugh 2 014). In summary, although additional studies are required to fully establish it s clinical significance, the p.Gln1511X variant is likely pathogenic.

Literature cited by the submitters: PubMed 20716751 (cited by Labcorp Genetics (formerly Invitae), Labcorp); PubMed 24503780 (cited by Labcorp Genetics (formerly Invitae), Labcorp); PubMed 25227139 (cited by Labcorp Genetics (formerly Invitae), Labcorp); PubMed 30398466 (cited by Labcorp Genetics (formerly Invitae), Labcorp); PubMed 31386562 (cited by 4 submitters); PubMed 26569459 (cited by 3 submitters); PubMed 31317183 (cited by 3 submitters); PubMed 35083019 (cited by 3 submitters); PubMed 28471438 (cited by Ambry Genetics); PubMed 32372669 (cited by Ambry Genetics).

NM_004415.4(DSP):c.4531C>T (p.Gln1511Ter)

Gene: DSP (desmoplakin; plus strand). Cytogenetic location: 6p24.3.
Variant type: single nucleotide variant.
Coding change: c.4531C>T on transcript NM_004415.4 (MANE Select); coding-DNA position 4531, C replaced by T.
Protein change: p.Gln1511Ter; replaces glutamine 1511 with a stop codon.
Molecular consequence: nonsense. On other transcripts: intron variant (2).
Genome position (GRCh38, 1-based): chr6:7,580,721, C>T. VCF-style: chr6-7580721-C-T. GRCh37 (hg19) VCF-style: chr6-7580954-C-T.
Other names: c.4050+481C>T (NM_001319034.2); c.3582+949C>T (NM_001008844.3); c.4531C>T (NM_004415.3); short protein forms Q1511*.
Identifiers: ClinVar variation 44914 (VCV000044914.29), dbSNP rs397516940, ClinGen allele CA004529.